The following is an entry in ClinVar:

NM_022065.5(THADA):c.1216G>A (p.Ala406Thr)

Gene: THADA (THADA armadillo repeat containing; minus strand). Cytogenetic location: 2p21.
Variant type: single nucleotide variant.
Coding change: c.1216G>A on transcript NM_022065.5 (MANE Select); coding-DNA position 1216, G replaced by A.
Protein change: p.Ala406Thr; replaces alanine 406 with threonine.
Molecular consequence: missense variant. On other transcripts: non-coding transcript variant (2).
Genome position (GRCh38, 1-based): chr2:43,574,849, C>T on the plus strand (G>A on the coding strand, the complement: THADA is on the minus strand). VCF-style: chr2-43574849-C-T. GRCh37 (hg19) VCF-style: chr2-43801988-C-T.
Other names: c.1216G>A, p.Ala406Thr (NM_001083953.2, NM_001271643.2, NM_001271644.2 and 2 more transcripts); c.1096G>A, p.Ala366Thr (NM_001345924.2); c.346G>A, p.Ala116Thr (NM_198554.1); short protein forms A116T, A366T, A406T.
Identifiers: ClinVar variation 3056158 (VCV003056158.2), dbSNP rs113096905, ClinGen allele CA1633362.

ClinVar aggregate classification (germline): Benign (0 of 4 stars; one submission).

Conditions:
THADA-related disorder. Also called: THADA-related condition.

Allele frequency attached by ClinVar (database versions not stated): gnomAD exomes 0.00101; ExAC 0.00366; ESP Exome Variant Server 0.01117; gnomAD 0.01131; TOPMed 0.01315; 1000 Genomes Project 0.01438; 1000 Genomes Project 30x 0.01655.
gnomAD v4.1: 3,281 of 1,613,980 alleles (0.2%); highest among the groups gnomAD compares: African/African-American, 3.8%; 61 homozygotes.

Submission:

PreventionGenetics, part of Exact Sciences
Classification: Benign for THADA-related condition. Last evaluated: 2019-05-01. Review status: no assertion criteria provided. Collection method: clinical testing. Allele origin: germline.
Comment: This variant is classified as benign based on ACMG/AMP sequence variant interpretation guidelines (Richards et al. 2015 PMID: 25741868, with internal and published modifications).